The following is an entry in ClinVar:

NM_058195.4(CDKN2A):c.193+15C>T

Gene: CDKN2A (cyclin dependent kinase inhibitor 2A; minus strand). Cytogenetic location: 9p21.3.
Variant type: single nucleotide variant.
Coding change: c.193+15C>T on transcript NM_058195.4 (MANE Plus Clinical); 15 bases into the intron after coding-DNA position 193, C replaced by T.
Molecular consequence: intron variant.
Genome position (GRCh38, 1-based): chr9:21,994,124, G>A on the plus strand (C>T on the coding strand, the complement: CDKN2A is on the minus strand). VCF-style: chr9-21994124-G-A. GRCh37 (hg19) VCF-style: chr9-21994123-G-A.
Other names: c.-4+697C>T (NM_001363763.2).
Identifiers: ClinVar variation 245906 (VCV000245906.6), dbSNP rs757840893, ClinGen allele CA5012372.

ClinVar aggregate classification (germline): Conflicting classifications of pathogenicity. Review status: criteria provided, conflicting classifications (1 of 4 stars). 2 submissions from 2 submitters: Uncertain significance (1); Likely benign (1). Last evaluated 2021-12-11.

Conditions:
Familial melanoma. Also called: Hereditary melanoma; Hereditary cutaneous melanoma. Identifiers: Orphanet 618, MedGen C1512419, MONDO:0018961.

Allele frequency attached by ClinVar (database versions not stated): ExAC 0.00001; gnomAD 0.00002; TOPMed 0.00002.
gnomAD v4.1: 21 of 1,599,274 alleles (0.0013%); highest among the groups gnomAD compares: Non-Finnish European, 0.0015%; no homozygotes.

Submissions (2):

Labcorp Genetics (formerly Invitae), Labcorp
Classification: Likely benign for Familial melanoma. Last evaluated: 2021-12-11. Review status: criteria provided, single submitter. Criteria: Invitae Variant Classification Sherloc (09022015). Collection method: clinical testing. Allele origin: germline.

GeneDx
Classification: Uncertain significance. Last evaluated: 2016-01-20. Review status: criteria provided, single submitter. Criteria: GeneDx Variant Classification (06012015). Collection method: clinical testing. Allele origin: germline. Affected: yes.
Comment: This variant is denoted CDKN2A c.193+15C>T (IVS1+15C>T), and consists of a C>T nucleotide substitution at the +15 position of intron 1 of the p14-ARF isoform of the CDKN2A gene. This variant has not, to our knowledge, been published in the literature as pathogenic or benign. CDKN2A c.193+15C>T was not observed in approximately 6,500 individuals of European and African American ancestry in the NHLBI Exome Sequencing Project, suggesting it is not a common benign variant in these populations. The cytosine (C) nucleotide that is altered is conserved through mammals. This variant is not predicted to affect p14-ARF splicing. However, in the absence of RNA or functional studies, the actual effect of this variant is unknown. Furthermore, although the CDKN2A gene encodes both the p16 and p14-ARF proteins using alternate reading frames, this variant is far upstream of the p16 start codon and is not predicted to affect the p16 protein. Based on currently available information, it is unclear whether CDKN2A c.193+15C>T is pathogenic or benign. We consider it to be a variant of uncertain significance.